The following is an entry in ClinVar:

ClinVar aggregate classification (germline): Pathogenic (0 of 4 stars; one submission).

Submission:

Quest Diagnostics Nichols Institute San Juan Capistrano
Classification: Pathogenic. Last evaluated: 2021-02-01. Review status: no assertion criteria provided. Collection method: clinical testing. Allele origin: germline.
Comment: The copy number loss of Xq25 involves a few coding genes, including SH2D1A (OMIM 300490) and is expected to cause phenotypic and/or developmental abnormalities. Haploinsufficiency of SH2D1A is associated with X-linked lymphoproliferative syndrome-1 (XLP1) (OMIM 308240), a primary immunodeficiency characterized by severe immune dysregulation often after viral infection, typically with Epstein-Barr virus. Several SH2D1A pathogenic variants have been identified to contribute to XLP-associated phenotype: ~25% are splicing defects or frameshift variants and ~25% are large deletion of one or more exons or the entire gene (Karczewski et al., Nature. 2020 May;581(7809):434-443. PMID: 32461654; Nademi et al., J Clin Immunol. 2019 Jul;39(5):523-526. PMID: 31144249).

GRCh37/hg19 Xq25(chrX:123350855-123986893)x0

Genes: SH2D1A (SH2 domain containing 1A; plus strand), TENM1 (teneurin transmembrane protein 1; minus strand). Cytogenetic location: Xq25.
Variant type: copy number loss.
Change: copy number 0 of chrX:123,350,855-123,986,893 (636.0 kb, GRCh37 coordinates, 1-based), cytogenetic band Xq25.
Identifiers: ClinVar variation 1341073 (VCV001341073.1).